The following is an entry in ClinVar:

NM_000384.3(APOB):c.6633T>G (p.Ser2211Arg)

Gene: APOB (apolipoprotein B; minus strand). Cytogenetic location: 2p24.1.
Variant type: single nucleotide variant.
Coding change: c.6633T>G on transcript NM_000384.3 (MANE Select); coding-DNA position 6633, T replaced by G.
Protein change: p.Ser2211Arg; replaces serine 2211 with arginine.
Molecular consequence: missense variant.
Genome position (GRCh38, 1-based): chr2:21,010,235, A>C on the plus strand (T>G on the coding strand, the complement: APOB is on the minus strand). VCF-style: chr2-21010235-A-C. GRCh37 (hg19) VCF-style: chr2-21233107-A-C.
Other names: short protein forms S2211R.
Identifiers: ClinVar variation 3307879 (VCV003307879.3).

ClinVar aggregate classification (germline): Uncertain significance. Review status: criteria provided, multiple submitters, no conflicts (2 of 4 stars). 2 submissions from 2 submitters: Uncertain significance (2). Last evaluated 2024-05-15.

Conditions:
Cardiovascular phenotype. Identifiers: MedGen CN230736.
Familial hypobetalipoproteinemia 1. Also called: Hypobetalipoproteinemia, normotriglyceridemic; Acanthocytosis with hypobetalipoproteinemia; APOB-Related Familial Hypobetalipoproteinemia. Identifiers: MedGen C4551990, MONDO:0014252, OMIM 615558.
Hypercholesterolemia, autosomal dominant, type B (FHCL2). Also called: Familial Hypercholesterolemia Type B; APOLIPOPROTEIN B-100, FAMILIAL DEFECTIVE; APOLIPOPROTEIN B-100, FAMILIAL LIGAND-DEFECTIVE; HYPERCHOLESTEROLEMIA, FAMILIAL, DUE TO LIGAND-DEFECTIVE APOLIPOPROTEIN B; Hyperlipoproteinemia Type IIb; Familial hypercholesterolemia 2. Identifiers: MedGen C1704417, MONDO:0007751, OMIM 144010.

gnomAD v4.1: 7 of 1,559,922 alleles (0.00045%); highest among the groups gnomAD compares: Non-Finnish European, 0.00061%; no homozygotes.

Submissions (2):

Labcorp Genetics (formerly Invitae), Labcorp
Classification: Uncertain significance for Familial hypobetalipoproteinemia 1; Hypercholesterolemia, autosomal dominant, type B. Last evaluated: 2024-05-15. Review status: criteria provided, single submitter. Criteria: Invitae Variant Classification Sherloc (09022015). Collection method: clinical testing. Allele origin: germline.
Comment: This sequence change replaces serine, which is neutral and polar, with arginine, which is basic and polar, at codon 2211 of the APOB protein (p.Ser2211Arg). This variant is present in population databases (no rsID available, gnomAD 0.001%). This variant has not been reported in the literature in individuals affected with APOB-related conditions. Advanced modeling of protein sequence and biophysical properties (such as structural, functional, and spatial information, amino acid conservation, physicochemical variation, residue mobility, and thermodynamic stability) performed at Invitae indicates that this missense variant is not expected to disrupt APOB protein function with a negative predictive value of 95%. In summary, the available evidence is currently insufficient to determine the role of this variant in disease. Therefore, it has been classified as a Variant of Uncertain Significance.

Ambry Genetics
Classification: Uncertain significance for Cardiovascular phenotype. Last evaluated: 2024-05-05. Review status: criteria provided, single submitter. Criteria: Ambry Variant Classification Scheme 2023. Collection method: clinical testing. Allele origin: germline.
Comment: The p.S2211R variant (also known as c.6633T>G), located in coding exon 26 of the APOB gene, results from a T to G substitution at nucleotide position 6633. The serine at codon 2211 is replaced by arginine, an amino acid with dissimilar properties. This amino acid position is conserved. In addition, this alteration is predicted to be tolerated by in silico analysis. Based on the available evidence, the clinical significance of this variant remains unclear.